The following is an entry in ClinVar:

NM_022124.6(CDH23):c.1963G>A (p.Val655Ile)

Gene: CDH23 (cadherin related 23; plus strand). Cytogenetic location: 10q22.1.
Variant type: single nucleotide variant.
Coding change: c.1963G>A on transcript NM_022124.6 (MANE Select); coding-DNA position 1963, G replaced by A.
Protein change: p.Val655Ile; replaces valine 655 with isoleucine.
Molecular consequence: missense variant.
Genome position (GRCh38, 1-based): chr10:71,682,549, G>A. VCF-style: chr10-71682549-G-A. GRCh37 (hg19) VCF-style: chr10-73442306-G-A.
Other names: c.1963G>A, p.Val655Ile (NM_001171930.2, NM_001171931.2); short protein forms V655I.
Identifiers: ClinVar variation 194888 (VCV000194888.22), dbSNP rs374805957, ClinGen allele CA241093.

ClinVar aggregate classification (germline): Uncertain significance. Review status: criteria provided, multiple submitters, no conflicts (2 of 4 stars). 12 submissions from 11 submitters: Uncertain significance (11). 1 of the submissions does not count toward it. Last evaluated 2026-05-20.

Conditions:
CDH23-related disorder. Also called: CDH23-related condition; CDH23-related disorders.
Inborn genetic diseases. Identifiers: MedGen C0950123, MeSH D030342.
Usher syndrome type 1 (USH1). Also called: RETINITIS PIGMENTOSA AND CONGENITAL DEAFNESS. Identifiers: Orphanet 231169, Orphanet 886, MedGen C1568247, MONDO:0010168, OMIM 276900.
Usher syndrome type 1D (USH1D). Also called: USHER SYNDROME, TYPE ID. Identifiers: Orphanet 231169, Orphanet 886, MedGen C1832845, MONDO:0010984, OMIM 601067.
Autosomal recessive nonsyndromic hearing loss 12. Also called: DEAFNESS, AUTOSOMAL RECESSIVE 12. Identifiers: Orphanet 90636, MedGen C1832394, MONDO:0011067, OMIM 601386.

Allele frequency attached by ClinVar (database versions not stated): ExAC 0.00004; ESP Exome Variant Server 0.00008; gnomAD 0.00008 and 0.00009; gnomAD exomes 0.00009; TOPMed 0.00011.
gnomAD v4.1: 200 of 1,613,406 alleles (0.012%); highest among the groups gnomAD compares: Admixed American, 0.032%; no homozygotes.

Submissions (12):

PreventionGenetics, part of Exact Sciences
Classification: Uncertain significance for CDH23-related condition. Last evaluated: 2026-05-20. Review status: criteria provided, single submitter. Criteria: ACMG Guidelines, 2015. Collection method: clinical testing. Allele origin: germline.
Comment: The CDH23 c.1963G>A variant is predicted to result in the amino acid substitution p.Val655Ile. To our knowledge, this variant has not been reported in the literature. This variant is reported in 0.045% of alleles in individuals of Latino descent in gnomAD. At this time, the clinical significance of this variant is uncertain due to the absence of conclusive functional and genetic evidence.

Blueprint Genetics
Classification: Uncertain significance. Last evaluated: 2024-03-28. Review status: criteria provided, single submitter. Criteria: ACMG Guidelines, 2015. Collection method: clinical testing. Allele origin: germline.

GeneDx
Classification: Uncertain significance. Last evaluated: 2023-03-02. Review status: criteria provided, single submitter. Criteria: GeneDx Variant Classification Process June 2021. Collection method: clinical testing. Allele origin: germline. Affected: yes.
Comment: In silico analysis supports that this missense variant has a deleterious effect on protein structure/function; Has not been previously published as pathogenic or benign to our knowledge

Labcorp Genetics (formerly Invitae), Labcorp
Classification: Uncertain significance. Last evaluated: 2022-08-22. Review status: criteria provided, single submitter. Criteria: Invitae Variant Classification Sherloc (09022015). Collection method: clinical testing. Allele origin: germline.
Comment: This sequence change replaces valine, which is neutral and non-polar, with isoleucine, which is neutral and non-polar, at codon 655 of the CDH23 protein (p.Val655Ile). This variant is present in population databases (rs374805957, gnomAD 0.04%). This variant has not been reported in the literature in individuals affected with CDH23-related conditions. ClinVar contains an entry for this variant (Variation ID: 194888). Algorithms developed to predict the effect of missense changes on protein structure and function are either unavailable or do not agree on the potential impact of this missense change (SIFT: "Deleterious"; PolyPhen-2: "Not Available"; Align-GVGD: "Class C25"). In summary, the available evidence is currently insufficient to determine the role of this variant in disease. Therefore, it has been classified as a Variant of Uncertain Significance.

Department of Pathology and Laboratory Medicine, Sinai Health System
Classification: Uncertain significance for Usher syndrome type 1. Last evaluated: 2022-01-21. Review status: criteria provided, single submitter. Criteria: ACMG Guidelines, 2015. Collection method: research. Allele origin: germline.

Ambry Genetics
Classification: Uncertain significance for Inborn genetic diseases. Last evaluated: 2021-08-17. Review status: criteria provided, single submitter. Criteria: Ambry Variant Classification Scheme 2023. Collection method: clinical testing. Allele origin: germline.

Revvity Omics, Revvity
Classification: Uncertain significance. Last evaluated: 2019-02-28. Review status: criteria provided, single submitter. Criteria: ACMG Guidelines, 2015. Collection method: clinical testing. Allele origin: germline.

Eurofins Ntd Llc (ga)
Classification: Uncertain significance. Last evaluated: 2018-04-03. Review status: criteria provided, single submitter. Criteria: EGL ClinVar v180209 classification definitions. Collection method: clinical testing. Allele origin: germline. Observed: 2 variant alleles, 2 heterozygotes.

Illumina Laboratory Services, Illumina
Classification: Uncertain significance for Usher syndrome type 1D. Last evaluated: 2018-01-13. Review status: criteria provided, single submitter. Criteria: ICSL Variant Classification Criteria 13 December 2019. Collection method: clinical testing. Allele origin: germline.

Illumina Laboratory Services, Illumina
Classification: Uncertain significance for Autosomal recessive nonsyndromic hearing loss 12. Last evaluated: 2018-01-13. Review status: criteria provided, single submitter. Criteria: ICSL Variant Classification Criteria 13 December 2019. Collection method: clinical testing. Allele origin: germline.

Laboratory for Molecular Medicine, Mass General Brigham Personalized Medicine
Classification: Uncertain significance. Last evaluated: 2017-05-25. Review status: criteria provided, single submitter. Criteria: LMM Criteria. Collection method: clinical testing. Allele origin: germline. Observed: 1 variant allele.
Comment: The p.Val655Ile variant in CDH23 has not been previously reported in individuals with hearing loss, but has been identified in 0.04% (15/34340) of Latino chromo somes by the Genome Aggregation Database (gnomAD, rg; dbSNP rs374805957. Although this variant has been seen in the general popula tion, its frequency is not high enough to rule out a pathogenic role. This varia nt has been reported in ClinVar (Variation ID: 194888). Computational prediction tools and conservation analyses suggest that this variant may impact the protei n, though this information is not predictive enough to determine pathogenicity. In summary, the clinical significance of the p.Val655Ile variant is uncertain.

Natera, Inc.
Classification: Uncertain significance for Usher syndrome type 1. Last evaluated: 2020-04-15. Review status: no assertion criteria provided. Collection method: clinical testing. Allele origin: germline. Not counted in ClinVar's aggregate classification.